The following is an entry in ClinVar:

NM_001253697.2(ERBIN):c.3284G>A (p.Arg1095Lys)

Gene: ERBIN (erbb2 interacting protein; plus strand). Cytogenetic location: 5q12.3.
Variant type: single nucleotide variant.
Coding change: c.3284G>A on transcript NM_001253697.2 (MANE Select); coding-DNA position 3284, G replaced by A.
Protein change: p.Arg1095Lys; replaces arginine 1095 with lysine.
Molecular consequence: missense variant.
Genome position (GRCh38, 1-based): chr5:66,054,602, G>A. VCF-style: chr5-66054602-G-A. GRCh37 (hg19) VCF-style: chr5-65350430-G-A.
Other names: c.3284G>A, p.Arg1095Lys (NM_001006600.3, NM_001253698.2, NM_001253699.2 and 1 more transcripts); c.3272G>A, p.Arg1091Lys (NM_001253701.2); short protein forms R1091K, R1095K.
Identifiers: ClinVar variation 2060815 (VCV002060815.4), dbSNP rs2546815626, ClinGen allele CA359869490.

ClinVar aggregate classification (germline): Uncertain significance (1 of 4 stars; one submission).

Allele frequency attached by ClinVar (database versions not stated): gnomAD exomes below 0.00001.
gnomAD v4.1: 1 of 1,614,136 alleles (0.000062%); highest among the groups gnomAD compares: Non-Finnish European, 0.000085%; no homozygotes.

Submission:

Labcorp Genetics (formerly Invitae), Labcorp
Classification: Uncertain significance. Last evaluated: 2024-03-13. Review status: criteria provided, single submitter. Criteria: Invitae Variant Classification Sherloc (09022015). Collection method: clinical testing. Allele origin: germline.
Comment: This sequence change replaces arginine, which is basic and polar, with lysine, which is basic and polar, at codon 1095 of the ERBIN protein (p.Arg1095Lys). This variant is not present in population databases (gnomAD no frequency). This variant has not been reported in the literature in individuals affected with ERBIN-related conditions. ClinVar contains an entry for this variant (Variation ID: 2060815). An algorithm developed to predict the effect of missense changes on protein structure and function (PolyPhen-2) suggests that this variant is likely to be tolerated. In summary, the available evidence is currently insufficient to determine the role of this variant in disease. Therefore, it has been classified as a Variant of Uncertain Significance.